The following is an entry in ClinVar:

ClinVar aggregate classification (germline): Likely pathogenic (1 of 4 stars; one submission).

Submission:

GeneDx
Classification: Likely pathogenic. Last evaluated: 2022-04-08. Review status: criteria provided, single submitter. Criteria: GeneDx Variant Classification Process June 2021. Collection method: clinical testing. Allele origin: germline. Affected: yes.
Comment: Not observed at significant frequency in large population cohorts (gnomAD); In silico analysis supports that this missense variant has a deleterious effect on protein structure/function; This variant is associated with the following publications: (PMID: 34065151)

NM_001368894.2(PAX6):c.219G>T (p.Arg73Ser)

Gene: PAX6 (paired box 6; minus strand). Cytogenetic location: 11p13.
Variant type: single nucleotide variant.
Coding change: c.219G>T on transcript NM_001368894.2 (MANE Select); coding-DNA position 219, G replaced by T.
Protein change: p.Arg73Ser; replaces arginine 73 with serine.
Molecular consequence: missense variant. On other transcripts: 5 prime UTR variant (14), non-coding transcript variant (2), intron variant (8).
Genome position (GRCh38, 1-based): chr11:31,801,741, C>A on the plus strand (G>T on the coding strand, the complement: PAX6 is on the minus strand). VCF-style: chr11-31801741-C-A. GRCh37 (hg19) VCF-style: chr11-31823289-C-A.
Other names: c.177G>T, p.Arg59Ser (NM_000280.6, NM_001127612.3, NM_001258464.2 and 10 more transcripts); c.219G>T, p.Arg73Ser (NM_001258462.3, NM_001258463.2, NM_001310158.2 and 6 more transcripts); c.-563G>T (NM_001310160.2, NM_001368902.2, NM_001368905.2); c.-232G>T (NM_001310161.3, NM_001368899.2, NM_001368900.2 and 8 more transcripts); c.420G>T, p.Arg140Ser (NM_001368910.2); c.222G>T, p.Arg74Ser (NM_001368911.2); c.294G>T, p.Arg98Ser (NM_001368918.2, NM_001368919.2); c.252G>T, p.Arg84Ser (NM_001368920.2); and 2 more; short protein forms R140S, R59S, R73S, R74S, R84S, R98S.
Identifiers: ClinVar variation 1708832 (VCV001708832.2), dbSNP rs1953969921, ClinGen allele CA379959028.